The following is an entry in ClinVar:

NM_005530.3(IDH3A):c.583G>A (p.Val195Ile)

Gene: IDH3A (isocitrate dehydrogenase (NAD(+)) 3 catalytic subunit alpha; plus strand). Cytogenetic location: 15q25.1.
Variant type: single nucleotide variant.
Coding change: c.583G>A on transcript NM_005530.3 (MANE Select); coding-DNA position 583, G replaced by A.
Protein change: p.Val195Ile; replaces valine 195 with isoleucine.
Molecular consequence: missense variant.
Genome position (GRCh38, 1-based): chr15:78,162,339, G>A. VCF-style: chr15-78162339-G-A. GRCh37 (hg19) VCF-style: chr15-78454681-G-A.
Other names: short protein forms V195I.
Identifiers: ClinVar variation 1345182 (VCV001345182.8), dbSNP rs777130037, ClinGen allele CA7680606.

ClinVar aggregate classification (germline): Uncertain significance. Review status: criteria provided, multiple submitters, no conflicts (2 of 4 stars). 2 submissions from 2 submitters: Uncertain significance (2). Last evaluated 2024-12-02.

Allele frequency attached by ClinVar (database versions not stated): gnomAD 0.00001; gnomAD exomes 0.00001 and 0.00002; ExAC 0.00004.
gnomAD v4.1: 18 of 1,614,016 alleles (0.0011%); highest among the groups gnomAD compares: South Asian, 0.0088%; no homozygotes.

Submissions (2):

Labcorp Genetics (formerly Invitae), Labcorp
Classification: Uncertain significance. Last evaluated: 2024-12-02. Review status: criteria provided, single submitter. Criteria: Invitae Variant Classification Sherloc (09022015). Collection method: clinical testing. Allele origin: germline.
Comment: This sequence change replaces valine, which is neutral and non-polar, with isoleucine, which is neutral and non-polar, at codon 195 of the IDH3A protein (p.Val195Ile). This variant is present in population databases (rs777130037, gnomAD 0.02%). This variant has not been reported in the literature in individuals affected with IDH3A-related conditions. ClinVar contains an entry for this variant (Variation ID: 1345182). Invitae Evidence Modeling of protein sequence and biophysical properties (such as structural, functional, and spatial information, amino acid conservation, physicochemical variation, residue mobility, and thermodynamic stability) indicates that this missense variant is not expected to disrupt IDH3A protein function with a negative predictive value of 80%. In summary, the available evidence is currently insufficient to determine the role of this variant in disease. Therefore, it has been classified as a Variant of Uncertain Significance.

Blueprint Genetics
Classification: Uncertain significance. Last evaluated: 2020-10-02. Review status: criteria provided, single submitter. Criteria: ACMG Guidelines, 2015. Collection method: clinical testing. Allele origin: germline.